The following is an entry in ClinVar:

NM_001267550.2(TTN):c.105721G>A (p.Val35241Met)

Genes: TTN-AS1 (TTN antisense RNA 1; plus strand), TTN (titin; minus strand), LOC129935183 (ATAC-STARR-seq lymphoblastoid active region 16808; plus strand). Cytogenetic location: 2q31.2.
Variant type: single nucleotide variant.
Coding change: c.105721G>A on transcript NM_001267550.2 (MANE Select); coding-DNA position 105721, G replaced by A.
Protein change: p.Val35241Met; replaces valine 35241 with methionine.
Molecular consequence: missense variant.
Genome position (GRCh38, 1-based): chr2:178,530,894, C>T on the plus strand (G>A on the coding strand, the complement: TTN is on the minus strand). VCF-style: chr2-178530894-C-T. GRCh37 (hg19) VCF-style: chr2-179395621-C-T.
Other names: c.100798G>A, p.Val33600Met (NM_001256850.1); c.78526G>A, p.Val26176Met (NM_003319.4); c.98017G>A, p.Val32673Met (NM_133378.4); c.78901G>A, p.Val26301Met (NM_133432.3); c.79102G>A, p.Val26368Met (NM_133437.4); short protein forms V26176M, V26368M, V33600M, V35241M, V26301M, V32673M.
Identifiers: ClinVar variation 2934211 (VCV002934211.4), dbSNP rs2468387384, ClinGen allele CA349407989.

ClinVar aggregate classification (germline): Uncertain significance. Review status: criteria provided, multiple submitters, no conflicts (2 of 4 stars). 2 submissions from 2 submitters: Uncertain significance (2). Last evaluated 2025-06-13.

Conditions:
Dilated cardiomyopathy 1G (CMD1G). Identifiers: Orphanet 154, MedGen C1858763, MONDO:0011400, OMIM 604145.
Autosomal recessive limb-girdle muscular dystrophy type 2J (LGMDR10). Also called: Limb-girdle muscular dystrophy, type 2J; MUSCULAR DYSTROPHY, LIMB-GIRDLE, AUTOSOMAL RECESSIVE 10. Identifiers: Orphanet 140922, MedGen C1837342, MONDO:0012127, OMIM 608807.

Allele frequency attached by ClinVar (database versions not stated): gnomAD exomes 0.00001.
gnomAD v4.1: 12 of 1,613,644 alleles (0.00074%); highest among the groups gnomAD compares: Non-Finnish European, 0.001%; no homozygotes.

Submissions (2):

GeneDx
Classification: Uncertain significance. Last evaluated: 2025-06-13. Review status: criteria provided, single submitter. Criteria: GeneDx Variant Classification Process June 2021. Collection method: clinical testing. Allele origin: germline. Affected: yes.
Comment: Not observed at significant frequency in large population cohorts (gnomAD); Missense variant in a gene in which most reported pathogenic variants are truncating/loss of function; Has not been previously published as pathogenic or benign to our knowledge

Labcorp Genetics (formerly Invitae), Labcorp
Classification: Uncertain significance for Dilated cardiomyopathy 1G; Autosomal recessive limb-girdle muscular dystrophy type 2J. Last evaluated: 2025-05-27. Review status: criteria provided, single submitter. Criteria: Invitae Variant Classification Sherloc (09022015). Collection method: clinical testing. Allele origin: germline.
Comment: This sequence change replaces valine, which is neutral and non-polar, with methionine, which is neutral and non-polar, at codon 35241 of the TTN protein (p.Val35241Met). This variant is not present in population databases (gnomAD no frequency). This variant has not been reported in the literature in individuals affected with TTN-related conditions. ClinVar contains an entry for this variant (Variation ID: 2934211). Experimental studies and prediction algorithms are not available or were not evaluated, and the functional significance of this variant is currently unknown. This variant is located in the M band of TTN (PMID: 25589632). Non-truncating variants in this region may be relevant for neuromuscular disorders, but have not been definitively shown to cause cardiomyopathy (PMID: 23975875). In summary, the available evidence is currently insufficient to determine the role of this variant in disease. Therefore, it has been classified as a Variant of Uncertain Significance.

Literature cited by the submitters: PubMed 25589632 (cited by Labcorp Genetics (formerly Invitae), Labcorp); PubMed 23975875 (cited by Labcorp Genetics (formerly Invitae), Labcorp).